The following is an entry in ClinVar:

ClinVar aggregate classification (germline): Uncertain significance (1 of 4 stars; one submission).

Conditions:
Multiple endocrine neoplasia, type 2 (MEN2). Identifiers: Orphanet 653, MedGen C4048306, MONDO:0019003. Disease mechanism: gain of function.

Allele frequency attached by ClinVar (database versions not stated): gnomAD exomes below 0.00001.
gnomAD v4.1: 3 of 1,586,790 alleles (0.00019%); highest among the groups gnomAD compares: African/African-American, 0.0013%; no homozygotes.

Submission:

Labcorp Genetics (formerly Invitae), Labcorp
Classification: Uncertain significance for Multiple endocrine neoplasia, type 2. Last evaluated: 2023-06-02. Review status: criteria provided, single submitter. Criteria: Invitae Variant Classification Sherloc (09022015). Collection method: clinical testing. Allele origin: germline.
Comment: In summary, the available evidence is currently insufficient to determine the role of this variant in disease. Therefore, it has been classified as a Variant of Uncertain Significance. Algorithms developed to predict the effect of sequence changes on RNA splicing suggest that this variant may create or strengthen a splice site. This variant has not been reported in the literature in individuals affected with RET-related conditions. This variant is not present in population databases (gnomAD no frequency). This sequence change falls in intron 13 of the RET gene. It does not directly change the encoded amino acid sequence of the RET protein.

NM_020975.6(RET):c.2392+20G>A

Gene: RET (ret proto-oncogene; plus strand). Cytogenetic location: 10q11.21.
Variant type: single nucleotide variant.
Coding change: c.2392+20G>A on transcript NM_020975.6 (MANE Select); 20 bases into the intron after coding-DNA position 2392, G replaced by A.
Molecular consequence: intron variant.
Genome position (GRCh38, 1-based): chr10:43,118,500, G>A. VCF-style: chr10-43118500-G-A. GRCh37 (hg19) VCF-style: chr10-43613948-G-A.
Other names: c.2392+20G>A (NM_020630.7, NM_001406743.1, NM_001406744.1 and 2 more transcripts); c.2257+20G>A (NM_001406765.1, NM_001406763.1); c.1996+20G>A (NM_001406772.1, NM_001406769.1); c.1954+20G>A (NM_001406773.1, NM_001406771.1); c.1495+20G>A (NM_001406782.1, NM_001406780.1, NM_001406779.1 and 1 more transcripts); c.1360+20G>A (NM_001406787.1); c.1375+20G>A (NM_001406785.1); c.2263+20G>A (NM_001406764.1, NM_001406762.1, NM_001406761.1); and 10 more.
Identifiers: ClinVar variation 2880531 (VCV002880531.3), dbSNP rs2132932818, ClinGen allele CA2574532071.
Genomic context (GRCh38, chr10:43,118,500, plus strand): 5'-CCCACATGTCATCAAATTGTATGGGGCCTGCAGCCAGGATGGTAAGGCCAGCTGCAGGGT[G>A]AGGTGGGCAGCCACTGCACCCAGGCTGGGGGCTCCATACAGCCCTGTTCTCCCTCTTTCT-3'